The following is an entry in ClinVar:

NM_014727.3(KMT2B):c.6619G>A (p.Glu2207Lys)

Gene: KMT2B (lysine methyltransferase 2B; plus strand). Cytogenetic location: 19q13.12.
Variant type: single nucleotide variant.
Coding change: c.6619G>A on transcript NM_014727.3 (MANE Select); coding-DNA position 6619, G replaced by A.
Protein change: p.Glu2207Lys; replaces glutamic acid 2207 with lysine.
Molecular consequence: missense variant.
Genome position (GRCh38, 1-based): chr19:35,733,168, G>A. VCF-style: chr19-35733168-G-A. GRCh37 (hg19) VCF-style: chr19-36224069-G-A.
Other names: short protein forms E2207K.
Identifiers: ClinVar variation 3656249 (VCV003656249.2).

ClinVar aggregate classification (germline): Uncertain significance (1 of 4 stars; one submission).

Submission:

Labcorp Genetics (formerly Invitae), Labcorp
Classification: Uncertain significance. Last evaluated: 2024-06-11. Review status: criteria provided, single submitter. Criteria: Invitae Variant Classification Sherloc (09022015). Collection method: clinical testing. Allele origin: germline.
Comment: This sequence change replaces glutamic acid, which is acidic and polar, with lysine, which is basic and polar, at codon 2207 of the KMT2B protein (p.Glu2207Lys). This variant is not present in population databases (gnomAD no frequency). This variant has not been reported in the literature in individuals affected with KMT2B-related conditions. Advanced modeling of protein sequence and biophysical properties (such as structural, functional, and spatial information, amino acid conservation, physicochemical variation, residue mobility, and thermodynamic stability) performed at Invitae indicates that this missense variant is not expected to disrupt KMT2B protein function with a negative predictive value of 95%. In summary, the available evidence is currently insufficient to determine the role of this variant in disease. Therefore, it has been classified as a Variant of Uncertain Significance.